The following is an entry in ClinVar:

ClinVar aggregate classification (germline): Uncertain significance. Review status: criteria provided, multiple submitters, no conflicts (2 of 4 stars). 2 submissions from 2 submitters: Uncertain significance (2). Last evaluated 2023-12-22.

Conditions:
Hereditary cancer-predisposing syndrome. Also called: Hereditary Cancer Syndrome; Neoplastic Syndromes, Hereditary; Tumor predisposition; Hereditary neoplastic syndrome. Identifiers: Orphanet 140162, MedGen C0027672, MeSH D009386, MONDO:0015356.
Fanconi anemia (FA). Also called: Fanconi's anemia. Identifiers: Orphanet 84, MedGen C0015625, MeSH D005199, MONDO:0019391.

Allele frequency attached by ClinVar (database versions not stated): gnomAD exomes below 0.00001; ExAC 0.00001.
gnomAD v4.1: 4 of 1,613,630 alleles (0.00025%); highest among the groups gnomAD compares: East Asian, 0.0022%; no homozygotes.

Submissions (2):

Labcorp Genetics (formerly Invitae), Labcorp
Classification: Uncertain significance for Fanconi anemia. Last evaluated: 2023-12-22. Review status: criteria provided, single submitter. Criteria: Invitae Variant Classification Sherloc (09022015). Collection method: clinical testing. Allele origin: germline.
Comment: This sequence change replaces histidine, which is basic and polar, with arginine, which is basic and polar, at codon 165 of the FANCC protein (p.His165Arg). This variant is present in population databases (rs568974136, gnomAD no frequency). This variant has not been reported in the literature in individuals affected with FANCC-related conditions. ClinVar contains an entry for this variant (Variation ID: 1744311). Advanced modeling of protein sequence and biophysical properties (such as structural, functional, and spatial information, amino acid conservation, physicochemical variation, residue mobility, and thermodynamic stability) performed at Invitae indicates that this missense variant is not expected to disrupt FANCC protein function with a negative predictive value of 80%. In summary, the available evidence is currently insufficient to determine the role of this variant in disease. Therefore, it has been classified as a Variant of Uncertain Significance.

Ambry Genetics
Classification: Uncertain significance for Hereditary cancer-predisposing syndrome. Last evaluated: 2021-10-27. Review status: criteria provided, single submitter. Criteria: Ambry Variant Classification Scheme 2023. Collection method: clinical testing. Allele origin: germline.
Comment: The p.H165R variant (also known as c.494A>G), located in coding exon 5 of the FANCC gene, results from an A to G substitution at nucleotide position 494. The histidine at codon 165 is replaced by arginine, an amino acid with highly similar properties. This amino acid position is conserved. In addition, this alteration is predicted to be tolerated by in silico analysis. Since supporting evidence is limited at this time, the clinical significance of this alteration remains unclear.

NM_000136.3(FANCC):c.494A>G (p.His165Arg)

Gene: FANCC (FA complementation group C; minus strand). Cytogenetic location: 9q22.32.
Variant type: single nucleotide variant.
Coding change: c.494A>G on transcript NM_000136.3 (MANE Select); coding-DNA position 494, A replaced by G.
Protein change: p.His165Arg; replaces histidine 165 with arginine.
Molecular consequence: missense variant.
Genome position (GRCh38, 1-based): chr9:95,171,106, T>C on the plus strand (A>G on the coding strand, the complement: FANCC is on the minus strand). VCF-style: chr9-95171106-T-C. GRCh37 (hg19) VCF-style: chr9-97933388-T-C.
Other names: c.494A>G, p.His165Arg (NM_001243743.2, NM_001243744.2); short protein forms H165R.
Identifiers: ClinVar variation 1744311 (VCV001744311.7), dbSNP rs568974136, ClinGen allele CA5137721.